The following is an entry in ClinVar:

ClinVar aggregate classification (germline): Uncertain significance (1 of 4 stars; one submission).

Conditions:
Leber congenital amaurosis 6 (LCA6). Identifiers: Orphanet 65, MedGen C1854260, MONDO:0013446, OMIM 613826.
Cone-rod dystrophy 13 (CORD13). Identifiers: Orphanet 1872, MedGen C2750720, MONDO:0011987, OMIM 608194.

Allele frequency attached by ClinVar (database versions not stated): gnomAD 0.00001 and 0.00002; gnomAD exomes 0.00001; TOPMed 0.00003; ExAC 0.00005; 1000 Genomes Project 30x 0.00016; 1000 Genomes Project 0.00020.
gnomAD v4.1: 4 of 1,542,214 alleles (0.00026%); highest among the groups gnomAD compares: African/African-American, 0.0054%; no homozygotes.

Submission:

Labcorp Genetics (formerly Invitae), Labcorp
Classification: Uncertain significance for Leber congenital amaurosis 6; Cone-rod dystrophy 13. Last evaluated: 2022-03-10. Review status: criteria provided, single submitter. Criteria: Invitae Variant Classification Sherloc (09022015). Collection method: clinical testing. Allele origin: germline.
Comment: This sequence change replaces proline, which is neutral and non-polar, with alanine, which is neutral and non-polar, at codon 165 of the RPGRIP1 protein (p.Pro165Ala). This variant is present in population databases (rs199840691, gnomAD 0.02%). This variant has not been reported in the literature in individuals affected with RPGRIP1-related conditions. ClinVar contains an entry for this variant (Variation ID: 1019353). Algorithms developed to predict the effect of missense changes on protein structure and function (SIFT, PolyPhen-2, Align-GVGD) all suggest that this variant is likely to be tolerated. Algorithms developed to predict the effect of sequence changes on RNA splicing suggest that this variant may disrupt the consensus splice site. In summary, the available evidence is currently insufficient to determine the role of this variant in disease. Therefore, it has been classified as a Variant of Uncertain Significance.

NM_020366.4(RPGRIP1):c.493C>G (p.Pro165Ala)

Gene: RPGRIP1 (RPGR interacting protein 1; plus strand). Cytogenetic location: 14q11.2.
Variant type: single nucleotide variant.
Coding change: c.493C>G on transcript NM_020366.4 (MANE Select); coding-DNA position 493, C replaced by G.
Protein change: p.Pro165Ala; replaces proline 165 with alanine.
Molecular consequence: missense variant.
Genome position (GRCh38, 1-based): chr14:21,302,490, C>G. VCF-style: chr14-21302490-C-G. GRCh37 (hg19) VCF-style: chr14-21770649-C-G.
Other names: short protein forms P165A.
Identifiers: ClinVar variation 1019353 (VCV001019353.4), dbSNP rs199840691, ClinGen allele CA7088678.
Genomic context (GRCh38, chr14:21,302,490, plus strand): 5'-ACTTGGTGTTCCGGAGGGTACTGTTGCCCGAGTCTGCATCTTCTGTCTAAACTTTTAGGG[C>G]CAAGGGACAGGCTGAGCTACACAGCCCCTCCATCGTTTAAGGAGCATGCGACAAATGAAA-3'
Protein context (NP_065099.3, residues 155-175): APVPEKPKRG[Pro165Ala]RDRLSYTAPP